The following is an entry in ClinVar:

ClinVar aggregate classification (germline): Uncertain significance (1 of 4 stars; one submission).

Submission:

GeneDx
Classification: Uncertain significance. Last evaluated: 2023-12-11. Review status: criteria provided, single submitter. Criteria: GeneDx Variant Classification Process June 2021. Collection method: clinical testing. Allele origin: germline. Affected: yes.
Comment: Has not been previously published as pathogenic or benign to our knowledge; Not observed at significant frequency in large population cohorts (gnomAD); In silico analysis supports that this missense variant does not alter protein structure/function

NM_001429.4(EP300):c.5653C>T (p.Pro1885Ser)

Gene: EP300 (E1A binding protein p300; plus strand). Cytogenetic location: 22q13.2.
Variant type: single nucleotide variant.
Coding change: c.5653C>T on transcript NM_001429.4 (MANE Select); coding-DNA position 5653, C replaced by T.
Protein change: p.Pro1885Ser; replaces proline 1885 with serine.
Molecular consequence: missense variant.
Genome position (GRCh38, 1-based): chr22:41,177,364, C>T. VCF-style: chr22-41177364-C-T. GRCh37 (hg19) VCF-style: chr22-41573368-C-T.
Other names: c.5575C>T, p.Pro1859Ser (NM_001362843.2); short protein forms P1859S, P1885S.
Identifiers: ClinVar variation 3253361 (VCV003253361.1), dbSNP rs2145516958.